The following is an entry in ClinVar:

NM_006208.3(ENPP1):c.2531C>T (p.Thr844Met)

Gene: ENPP1 (ectonucleotide pyrophosphatase/phosphodiesterase 1; plus strand). Cytogenetic location: 6q23.2.
Variant type: single nucleotide variant.
Coding change: c.2531C>T on transcript NM_006208.3 (MANE Select); coding-DNA position 2531, C replaced by T.
Protein change: p.Thr844Met; replaces threonine 844 with methionine.
Molecular consequence: missense variant.
Genome position (GRCh38, 1-based): chr6:131,886,648, C>T. VCF-style: chr6-131886648-C-T. GRCh37 (hg19) VCF-style: chr6-132207788-C-T.
Other names: short protein forms T844M.
Identifiers: ClinVar variation 2050952 (VCV002050952.5), dbSNP rs202179867, ClinGen allele CA4002561.

ClinVar aggregate classification (germline): Uncertain significance. Review status: criteria provided, multiple submitters, no conflicts (2 of 4 stars). 2 submissions from 2 submitters: Uncertain significance (2). Last evaluated 2025-04-17.

Allele frequency attached by ClinVar (database versions not stated): ExAC 0.00003; gnomAD 0.00006; gnomAD exomes 0.00006; TOPMed 0.00006.
gnomAD v4.1: 91 of 1,613,668 alleles (0.0056%); highest among the groups gnomAD compares: Admixed American, 0.023%; 1 homozygote.

Submissions (2):

Labcorp Genetics (formerly Invitae), Labcorp
Classification: Uncertain significance. Last evaluated: 2025-04-17. Review status: criteria provided, single submitter. Criteria: Invitae Variant Classification Sherloc (09022015). Collection method: clinical testing. Allele origin: germline.
Comment: This sequence change replaces threonine, which is neutral and polar, with methionine, which is neutral and non-polar, at codon 844 of the ENPP1 protein (p.Thr844Met). This variant is present in population databases (rs202179867, gnomAD 0.02%), including at least one homozygous and/or hemizygous individual. This variant has not been reported in the literature in individuals affected with ENPP1-related conditions. ClinVar contains an entry for this variant (Variation ID: 2050952). Invitae Evidence Modeling of protein sequence and biophysical properties (such as structural, functional, and spatial information, amino acid conservation, physicochemical variation, residue mobility, and thermodynamic stability) has been performed for this missense variant. However, the output from this modeling did not meet the statistical confidence thresholds required to predict the impact of this variant on ENPP1 protein function. In summary, the available evidence is currently insufficient to determine the role of this variant in disease. Therefore, it has been classified as a Variant of Uncertain Significance.

Women's Health and Genetics/Laboratory Corporation of America, LabCorp
Classification: Uncertain significance. Last evaluated: 2024-09-11. Review status: criteria provided, single submitter. Criteria: LabCorp Variant Classification Summary - May 2015. Collection method: clinical testing. Allele origin: germline.
Comment: Variant summary: ENPP1 c.2531C>T (p.Thr844Met) results in a non-conservative amino acid change located in the DNA/RNA non-specific endonuclease/pyrophosphatase/phosphodiesterase domain (IPR001604) of the encoded protein sequence. Four of five in-silico tools predict a damaging effect of the variant on protein function. The variant allele was found at a frequency of 3.6e-05 in 251388 control chromosomes. The available data on variant occurrences in the general population are insufficient to allow any conclusion about variant significance. c.2531C>T has been reported in the literature, however the occurences were only noted in control alleles (e.g., Ferreira_2021). These report(s) do not provide unequivocal conclusions about association of the variant with ENPP1-Related Disorders. To our knowledge, no experimental evidence demonstrating an impact on protein function has been reported. The following publication was ascertained in the context of this evaluation (PMID: 33005041). ClinVar contains an entry for this variant (Variation ID: 2050952). Based on the evidence outlined above, the variant was classified as uncertain significance.

Literature cited by the submitters: PubMed 33005041 (cited by Women's Health and Genetics/Laboratory Corporation of America, LabCorp).